The following is an entry in ClinVar:

ClinVar aggregate classification (germline): Uncertain significance (1 of 4 stars; one submission).

Conditions:
Hereditary cancer-predisposing syndrome. Also called: Tumor predisposition; Hereditary Cancer Syndrome; Hereditary neoplastic syndrome; Neoplastic Syndromes, Hereditary. Identifiers: Orphanet 140162, MedGen C0027672, MeSH D009386, MONDO:0015356.

Submission:

Ambry Genetics
Classification: Uncertain significance for Hereditary cancer-predisposing syndrome. Last evaluated: 2025-10-23. Review status: criteria provided, single submitter. Criteria: Ambry Variant Classification Scheme 2023. Collection method: clinical testing. Allele origin: germline.
Comment: The p.F137I variant (also known as c.409T>A), located in coding exon 3 of the XRCC2 gene, results from a T to A substitution at nucleotide position 409. The phenylalanine at codon 137 is replaced by isoleucine, an amino acid with highly similar properties. This amino acid position is conserved. In addition, this alteration is predicted to be tolerated by in silico analysis. Based on the available evidence, the clinical significance of this variant remains unclear.

NM_005431.2(XRCC2):c.409T>A (p.Phe137Ile)

Gene: XRCC2 (X-ray repair cross complementing 2; minus strand). Cytogenetic location: 7q36.1.
Variant type: single nucleotide variant.
Coding change: c.409T>A on transcript NM_005431.2 (MANE Select); coding-DNA position 409, T replaced by A.
Protein change: p.Phe137Ile; replaces phenylalanine 137 with isoleucine.
Molecular consequence: missense variant.
Genome position (GRCh38, 1-based): chr7:152,649,076, A>T on the plus strand (T>A on the coding strand, the complement: XRCC2 is on the minus strand). VCF-style: chr7-152649076-A-T. GRCh37 (hg19) VCF-style: chr7-152346161-A-T.
Other names: short protein forms F137I.
Identifiers: ClinVar variation 4558557 (VCV004558557.1).